The following is an entry in ClinVar:

NM_000540.3(RYR1):c.13760C>T (p.Pro4587Leu)

Gene: RYR1 (ryanodine receptor 1; plus strand). Cytogenetic location: 19q13.2.
Variant type: single nucleotide variant.
Coding change: c.13760C>T on transcript NM_000540.3 (MANE Select); coding-DNA position 13760, C replaced by T.
Protein change: p.Pro4587Leu; replaces proline 4587 with leucine.
Molecular consequence: missense variant.
Genome position (GRCh38, 1-based): chr19:38,572,032, C>T. VCF-style: chr19-38572032-C-T. GRCh37 (hg19) VCF-style: chr19-39062672-C-T.
Other names: c.13745C>T, p.Pro4582Leu (NM_001042723.2); c.13760C>T (NM_000540.2); short protein forms P4587L, P4582L.
Identifiers: ClinVar variation 161377 (VCV000161377.33), dbSNP rs143520367, ClinGen allele CA024070.

ClinVar aggregate classification (germline): Uncertain significance. Review status: reviewed by expert panel (3 of 4 stars). 9 submissions from 9 submitters: Uncertain significance (1). 8 of the submissions do not count toward it. Last evaluated 2025-08-01.

Conditions:
RYR1-related disorder. Also called: RYR1-related disorders; RYR1-related condition. Identifiers: MedGen CN239331.
Malignant hyperthermia of anesthesia. Also called: Anesthesic-triggered malignant hyperthermia. Identifiers: Orphanet 423, MedGen C0024591, MONDO:0018493, HP:0034733.
Malignant hyperthermia, susceptibility to, 1 (MHS1). Also called: Anesthesia related hyperthermia; Malignant hyperpyrexia; Fulminating hyperpyrexia; Pharmacogenic myopathy; RYR1-Related Malignant Hyperthermia Susceptibility; Malignant hyperthermia suceptibility 1. Identifiers: Orphanet 423, MedGen C2930980, MONDO:0007783, OMIM 145600.

Allele frequency attached by ClinVar (database versions not stated): gnomAD 0.00003 and 0.00004; gnomAD exomes 0.00003; TOPMed 0.00003; ExAC 0.00004; ESP Exome Variant Server 0.00008.
gnomAD v4.1: 43 of 1,613,898 alleles (0.0027%); highest among the groups gnomAD compares: Non-Finnish European, 0.0036%; no homozygotes.

Submissions (9):

ClinGen Malignant Hyperthermia Susceptibility Variant Curation Expert Panel, ClinGen
Classification: Uncertain significance for Malignant hyperthermia of anesthesia. Last evaluated: 2025-08-01. Review status: reviewed by expert panel. Criteria: ClinGen MHS ACMG Specifications V2. Collection method: curation. Allele origin: germline. Inheritance: Autosomal dominant inheritance.
Comment: This pathogenicity assessment is relevant only for malignant hyperthermia susceptibility (MHS) inherited in an autosomal dominant pattern. Variants in RYR1 can also cause other myopathies inherited in an autosomal dominant pattern or in an autosomal recessive pattern. Some of these disorders may predispose individuals to malignant hyperthermia. RYR1 variants may also contribute to a malignant hyperthermia reaction in combination with other genetic and non-genetic factors and the clinician needs to consider such factors in making management decisions. This sequence variant predicts a substitution of proline with leucine at codon 4587 of the RYR1 protein, p.(Pro4587Leu). The maximum allele frequency for this variant among the six major gnomAD populations is NFE: 0.000069, a frequency consistent with pathogenicity for MHS. This variant has been reported in a mutation report as occurring in MH without supporting evidence (PMID: 16521288). No functional studies were identified for this variant. This variant does not reside in a hotspot for pathogenic variants that contribute to MHS. A REVEL score of 0.785 supports neither a pathogenic nor a benign status for this variant. This variant has been classified as a Variant of Unknown Significance. Criteria implemented: none.

Women's Health and Genetics/Laboratory Corporation of America, LabCorp
Classification: Uncertain significance. Last evaluated: 2025-11-05. Review status: criteria provided, single submitter. Criteria: LabCorp Variant Classification Summary - May 2015. Collection method: clinical testing. Allele origin: germline. Not counted in ClinVar's aggregate classification.
Comment: Variant summary: RYR1 c.13760C>T (p.Pro4587Leu) results in a non-conservative amino acid change in the encoded protein sequence. Algorithms developed to predict the effect of missense changes on protein structure and function all suggest that this variant is likely to be disruptive. The variant allele was found at a frequency of 3.2e-05 in 251278 control chromosomes. The available data on variant occurrences in the general population are insufficient to allow any conclusion about variant significance. c.13760C>T has been observed in individual(s) affected with clinical features of Congenital multicore myopathy (Janssens_2022). These data do not allow any conclusion about variant significance. To our knowledge, no experimental evidence demonstrating an impact on protein function has been reported. The following publication has been ascertained in the context of this evaluation (PMID: 36283893). ClinVar contains an entry for this variant (Variation ID: 161377). Based on the evidence outlined above, the variant was classified as uncertain significance.

Labcorp Genetics (formerly Invitae), Labcorp
Classification: Uncertain significance for RYR1-related disorder. Last evaluated: 2025-03-06. Review status: criteria provided, single submitter. Criteria: Invitae Variant Classification Sherloc (09022015). Collection method: clinical testing. Allele origin: germline. Not counted in ClinVar's aggregate classification.
Comment: This sequence change replaces proline, which is neutral and non-polar, with leucine, which is neutral and non-polar, at codon 4587 of the RYR1 protein (p.Pro4587Leu). This variant is present in population databases (rs143520367, gnomAD 0.006%). This missense change has been observed in individual(s) with autosomal recessive RYR1-related conditions (PMID: 36283893). ClinVar contains an entry for this variant (Variation ID: 161377). Invitae Evidence Modeling of protein sequence and biophysical properties (such as structural, functional, and spatial information, amino acid conservation, physicochemical variation, residue mobility, and thermodynamic stability) indicates that this missense variant is not expected to disrupt RYR1 protein function with a negative predictive value of 80%. In summary, the available evidence is currently insufficient to determine the role of this variant in disease. Therefore, it has been classified as a Variant of Uncertain Significance.

All of Us Research Program, National Institutes of Health
Classification: Uncertain significance for Malignant hyperthermia, susceptibility to, 1. Last evaluated: 2024-08-13. Review status: criteria provided, single submitter. Criteria: ACMG Guidelines, 2015. Collection method: clinical testing. Allele origin: germline. Inheritance: Autosomal dominant inheritance. Observed: 9 variant alleles, 9 heterozygotes. Not counted in ClinVar's aggregate classification.
Comment: This missense variant replaces proline with leucine at codon 4587 of the RYR1 protein. Computational prediction suggests that this variant may have deleterious impact on protein structure and function (internally defined REVEL score threshold >= 0.7, PMID: 27666373). To our knowledge, functional studies have not been reported for this variant. This variant has been reported in one individual affected with malignant hyperthermia susceptibility (PMID: 36283893). This individual carried a second variant of uncertain significance in the RYR1 gene, the parents of this individual were unaffected and each carried one of the RYR1 variants (PMID: 36283893). This variant has been identified in 9/282684 chromosomes in the general population by the Genome Aggregation Database (gnomAD). The available evidence is insufficient to determine the role of this variant in disease conclusively. Therefore, this variant is classified as a Variant of Uncertain Significance.

This study involves interpretation of variants in research participants for the purpose of population health screening. Participant phenotype was not available at the time of variant classification. Additional details can be found in publication PMID: 35346344, PMCID: PMC8962531

Color Diagnostics, LLC DBA Color Health
Classification: Uncertain significance for Malignant hyperthermia, susceptibility to, 1. Last evaluated: 2024-07-24. Review status: criteria provided, single submitter. Criteria: ACMG Guidelines, 2015. Collection method: clinical testing. Allele origin: germline. Not counted in ClinVar's aggregate classification.
Comment: This missense variant replaces proline with leucine at codon 4587 of the RYR1 protein. Computational prediction suggests that this variant may have deleterious impact on protein structure and function. To our knowledge, functional studies have not been reported for this variant. This variant has been reported in one individual affected with malignant hyperthermia susceptibility (PMID: 36283893). This individual carried a second variant of uncertain significance in the RYR1 gene, the parents of this individual were unaffected and each carried one of the RYR1 variants (PMID: 36283893). This variant has been identified in 9/282684 chromosomes in the general population by the Genome Aggregation Database (gnomAD). The available evidence is insufficient to determine the role of this variant in disease conclusively. Therefore, this variant is classified as a Variant of Uncertain Significance.

Blueprint Genetics
Classification: Uncertain significance. Last evaluated: 2023-03-02. Review status: criteria provided, single submitter. Criteria: ACMG Guidelines, 2015. Collection method: clinical testing. Allele origin: germline. Not counted in ClinVar's aggregate classification.

Revvity Omics, Revvity
Classification: Uncertain significance. Last evaluated: 2022-01-18. Review status: criteria provided, single submitter. Criteria: ACMG Guidelines, 2015. Collection method: clinical testing. Allele origin: germline. Not counted in ClinVar's aggregate classification.

PreventionGenetics, part of Exact Sciences
Classification: Uncertain significance for RYR1-related condition. Last evaluated: 2024-08-28. Review status: no assertion criteria provided. Collection method: clinical testing. Allele origin: germline. Not counted in ClinVar's aggregate classification.
Comment: The RYR1 c.13760C>T variant is predicted to result in the amino acid substitution p.Pro4587Leu. This variant has been reported in the compound heterozygous state in an individual with proximal muscle weakness and fatigue (Janssens et al. 2022. PubMed ID: 36283893). This variant has also been reported in an individual with unspecified phenotype who underwent exome sequencing (Table S1, Amendola et al. 2015. PubMed ID: 25637381). This variant is reported in 0.0070% of alleles in individuals of European (Non-Finnish) descent in gnomAD. At this time, the clinical significance of this variant is uncertain due to the absence of conclusive functional and genetic evidence.

CSER _CC_NCGL, University of Washington
Classification: Uncertain significance for Malignant hyperthermia. Last evaluated: 2014-06-01. Review status: no assertion criteria provided. Collection method: research. Allele origin: germline. Inheritance: Autosomal dominant inheritance. Study: ESP 6500 variant annotation. Not counted in ClinVar's aggregate classification.
Comment: Variants classified for the Actionable exomic incidental findings in 6503 participants: challenges of variant classification manuscript

Literature cited by the submitters: PubMed 36283893 (cited by 4 submitters).